The following is an entry in ClinVar:

ClinVar aggregate classification (germline): Uncertain significance (1 of 4 stars; one submission).

Conditions:
Dyskeratosis congenita, autosomal dominant 2. Identifiers: MedGen C3151443, MONDO:0013521, OMIM 613989.
Idiopathic Pulmonary Fibrosis. Also called: Idiopathic fibrosing alveolitis, chronic form; idiopathic fibrosing alveolitis. Identifiers: Orphanet 2032, MedGen C1800706, MeSH D054990, MONDO:0800504.

Submission:

Labcorp Genetics (formerly Invitae), Labcorp
Classification: Uncertain significance for Dyskeratosis congenita, autosomal dominant 2; Idiopathic Pulmonary Fibrosis. Last evaluated: 2026-02-01. Review status: criteria provided, single submitter. Criteria: Invitae Variant Classification Sherloc (09022015). Collection method: clinical testing. Allele origin: germline.
Comment: This sequence change replaces asparagine, which is neutral and polar, with lysine, which is basic and polar, at codon 483 of the TERT protein (p.Asn483Lys). This variant is not present in population databases (gnomAD no frequency). This variant has not been reported in the literature in individuals affected with TERT-related conditions. ClinVar contains an entry for this variant (Variation ID: 3752248). Invitae Evidence Modeling of protein sequence and biophysical properties (such as structural, functional, and spatial information, amino acid conservation, physicochemical variation, residue mobility, and thermodynamic stability) indicates that this missense variant is expected to disrupt TERT protein function with a positive predictive value of 95%. In summary, the available evidence is currently insufficient to determine the role of this variant in disease. Therefore, it has been classified as a Variant of Uncertain Significance.

NM_198253.3(TERT):c.1449C>A (p.Asn483Lys)

Gene: TERT (telomerase reverse transcriptase; minus strand). Cytogenetic location: 5p15.33.
Variant type: single nucleotide variant.
Coding change: c.1449C>A on transcript NM_198253.3 (MANE Select); coding-DNA position 1449, C replaced by A.
Protein change: p.Asn483Lys; replaces asparagine 483 with lysine.
Molecular consequence: missense variant. On other transcripts: non-coding transcript variant (2).
Genome position (GRCh38, 1-based): chr5:1,293,437, G>T on the plus strand (C>A on the coding strand, the complement: TERT is on the minus strand). VCF-style: chr5-1293437-G-T. GRCh37 (hg19) VCF-style: chr5-1293552-G-T.
Other names: c.1449C>A, p.Asn483Lys (NM_001193376.3); short protein forms N483K.
Identifiers: ClinVar variation 3752248 (VCV003752248.2).